The following is an entry in ClinVar:

NM_000051.4(ATM):c.5504C>T (p.Thr1835Ile)

Gene: ATM (ATM serine/threonine kinase; plus strand). Cytogenetic location: 11q22.3.
Variant type: single nucleotide variant.
Coding change: c.5504C>T on transcript NM_000051.4 (MANE Select); coding-DNA position 5504, C replaced by T.
Protein change: p.Thr1835Ile; replaces threonine 1835 with isoleucine.
Molecular consequence: missense variant.
Genome position (GRCh38, 1-based): chr11:108,304,682, C>T. VCF-style: chr11-108304682-C-T. GRCh37 (hg19) VCF-style: chr11-108175409-C-T.
Other names: c.5504C>T, p.Thr1835Ile (NM_001351834.2); short protein forms T1835I.
Identifiers: ClinVar variation 1747998 (VCV001747998.6), dbSNP rs2135942516, ClinGen allele CA382545684.

ClinVar aggregate classification (germline): Uncertain significance. Review status: criteria provided, multiple submitters, no conflicts (2 of 4 stars). 3 submissions from 3 submitters: Uncertain significance (3). Last evaluated 2025-07-02.

Conditions:
Ataxia-telangiectasia syndrome (AT). Also called: LOUIS-BAR SYNDROME; Cerebello-oculocutaneous telangiectasia; Immunodeficiency with ataxia telangiectasia; Ataxia-telangiectasia, complementation group D; AT, COMPLEMENTATION GROUP C; ATAXIA-TELANGIECTASIA, COMPLEMENTATION GROUP A. Identifiers: Orphanet 100, MedGen C0004135, MONDO:0008840, OMIM 208900.
Hereditary cancer-predisposing syndrome. Also called: Neoplastic Syndromes, Hereditary; Tumor predisposition; Hereditary Cancer Syndrome; Hereditary neoplastic syndrome. Identifiers: Orphanet 140162, MedGen C0027672, MeSH D009386, MONDO:0015356.

Submissions (3):

GeneDx
Classification: Uncertain significance. Last evaluated: 2025-07-02. Review status: criteria provided, single submitter. Criteria: GeneDx Variant Classification Process June 2021. Collection method: clinical testing. Allele origin: germline. Affected: yes.
Comment: Not observed at significant frequency in large population cohorts (gnomAD); In silico analysis suggests that this missense variant does not alter protein structure/function; Has not been previously published as pathogenic or benign to our knowledge

Labcorp Genetics (formerly Invitae), Labcorp
Classification: Uncertain significance for Ataxia-telangiectasia syndrome. Last evaluated: 2023-06-02. Review status: criteria provided, single submitter. Criteria: Invitae Variant Classification Sherloc (09022015). Collection method: clinical testing. Allele origin: germline.
Comment: In summary, the available evidence is currently insufficient to determine the role of this variant in disease. Therefore, it has been classified as a Variant of Uncertain Significance. An algorithm developed to predict the effect of missense changes on protein structure and function (PolyPhen-2) suggests that this variant is likely to be tolerated. ClinVar contains an entry for this variant (Variation ID: 1747998). This variant has not been reported in the literature in individuals affected with ATM-related conditions. This variant is not present in population databases (gnomAD no frequency). This sequence change replaces threonine, which is neutral and polar, with isoleucine, which is neutral and non-polar, at codon 1835 of the ATM protein (p.Thr1835Ile).

Ambry Genetics
Classification: Uncertain significance for Hereditary cancer-predisposing syndrome. Last evaluated: 2022-08-22. Review status: criteria provided, single submitter. Criteria: Ambry Variant Classification Scheme 2023. Collection method: clinical testing. Allele origin: germline.
Comment: The p.T1835I variant (also known as c.5504C>T), located in coding exon 36 of the ATM gene, results from a C to T substitution at nucleotide position 5504. The threonine at codon 1835 is replaced by isoleucine, an amino acid with similar properties. This amino acid position is conserved. In addition, this alteration is predicted to be tolerated by in silico analysis. Since supporting evidence is limited at this time, the clinical significance of this alteration remains unclear.